The following is an entry in ClinVar:

NM_001134831.2(AHI1):c.3076G>A (p.Glu1026Lys)

Gene: AHI1 (Abelson helper integration site 1; minus strand). Cytogenetic location: 6q23.3.
Variant type: single nucleotide variant.
Coding change: c.3076G>A on transcript NM_001134831.2 (MANE Select); coding-DNA position 3076, G replaced by A.
Protein change: p.Glu1026Lys; replaces glutamic acid 1026 with lysine.
Molecular consequence: missense variant.
Genome position (GRCh38, 1-based): chr6:135,394,809, C>T on the plus strand (G>A on the coding strand, the complement: AHI1 is on the minus strand). VCF-style: chr6-135394809-C-T. GRCh37 (hg19) VCF-style: chr6-135715947-C-T.
Other names: c.3076G>A (NM_017651.4); c.3076G>A, p.Glu1026Lys (NM_001134830.2, NM_001134832.2, NM_001350503.2 and 2 more transcripts); short protein forms E1026K.
Identifiers: ClinVar variation 1038722 (VCV001038722.7), dbSNP rs1054804025, ClinGen allele CA148541754.
Genomic context (GRCh38, chr6:135,394,809, plus strand): 5'-AATTGTCAAAGTAAGAAAGGGGCTCACCGGTCTGAGTGAAACCAAACTGATGTAGAATCT[C>T]TTGAGCGGTCAGCATGTTTGACTGCTTTAACTTAGACTGTTGTGAGGAAACTGCTGGTGG-3'
Protein context (NP_001128303.1, residues 1016-1036): LKQSNMLTAQ[Glu1026Lys]ILHQFGFTQT

ClinVar aggregate classification (germline): Uncertain significance. Review status: criteria provided, multiple submitters, no conflicts (2 of 4 stars). 4 submissions from 4 submitters: Uncertain significance (4). Last evaluated 2024-07-14.

Conditions:
Inborn genetic diseases. Identifiers: MedGen C0950123, MeSH D030342.
Joubert syndrome 3 (JBTS3). Also called: AHI1-related Ciliopathy. Identifiers: Orphanet 220493, MedGen C1837713, MONDO:0012078, OMIM 608629.
Joubert syndrome. Also called: Familial aplasia of the vermis; JOUBERT-BOLTSHAUSER SYNDROME. Identifiers: Orphanet 475, MedGen C5979921, MONDO:0018772.

Allele frequency attached by ClinVar (database versions not stated): gnomAD 0.00001 and 0.00003; gnomAD exomes 0.00001 and 0.00009; TOPMed 0.00003.
gnomAD v4.1: 136 of 1,609,670 alleles (0.0084%); highest among the groups gnomAD compares: Non-Finnish European, 0.011%; no homozygotes.

Submissions (4):

Ambry Genetics
Classification: Uncertain significance for Inborn genetic diseases. Last evaluated: 2024-07-14. Review status: criteria provided, single submitter. Criteria: Ambry Variant Classification Scheme 2023. Collection method: clinical testing. Allele origin: germline.

Fulgent Genetics
Classification: Uncertain significance for Joubert syndrome 3. Last evaluated: 2024-03-28. Review status: criteria provided, single submitter. Criteria: ACMG Guidelines, 2015. Collection method: clinical testing. Allele origin: germline.

Blueprint Genetics
Classification: Uncertain significance. Last evaluated: 2022-08-25. Review status: criteria provided, single submitter. Criteria: ACMG Guidelines, 2015. Collection method: clinical testing. Allele origin: germline.

Labcorp Genetics (formerly Invitae), Labcorp
Classification: Uncertain significance for Joubert syndrome. Last evaluated: 2021-10-11. Review status: criteria provided, single submitter. Criteria: Invitae Variant Classification Sherloc (09022015). Collection method: clinical testing. Allele origin: germline.
Comment: This sequence change replaces glutamic acid with lysine at codon 1026 of the AHI1 protein (p.Glu1026Lys). The glutamic acid residue is weakly conserved and there is a small physicochemical difference between glutamic acid and lysine. This variant is not present in population databases (ExAC no frequency). This variant has not been reported in the literature in individuals affected with AHI1-related conditions. Advanced modeling of protein sequence and biophysical properties (such as structural, functional, and spatial information, amino acid conservation, physicochemical variation, residue mobility, and thermodynamic stability) performed at Invitae indicates that this missense variant is not expected to disrupt AHI1 protein function. In summary, the available evidence is currently insufficient to determine the role of this variant in disease. Therefore, it has been classified as a Variant of Uncertain Significance.